The following is an entry in ClinVar:

NM_001277115.2(DNAH11):c.6273+5T>G

Gene: DNAH11 (dynein axonemal heavy chain 11; plus strand). Cytogenetic location: 7p15.3.
Variant type: single nucleotide variant.
Coding change: c.6273+5T>G on transcript NM_001277115.2 (MANE Select); 5 bases into the intron after coding-DNA position 6273, T replaced by G.
Molecular consequence: intron variant.
Genome position (GRCh38, 1-based): chr7:21,702,807, T>G. VCF-style: chr7-21702807-T-G. GRCh37 (hg19) VCF-style: chr7-21742425-T-G.
Identifiers: ClinVar variation 3711700 (VCV003711700.2).
Genomic context (GRCh38, chr7:21,702,807, plus strand): 5'-TCTTGGTTGTGGCTGGATCTCTGAAACGAGGAGATAAAAATAGACCCGAAGATCAGGTAC[T>G]GCAATGCTAATATGATTTTGTTGAGTGAGTAGCTGGCCTGCTTCACAGACATGAAAGTAT-3'

ClinVar aggregate classification (germline): Uncertain significance (1 of 4 stars; one submission).

Conditions:
Primary ciliary dyskinesia. Also called: Ciliary dyskinesia. Identifiers: Orphanet 244, MedGen C0008780, MONDO:0016575, HP:0012265.

gnomAD v4.1: 6 of 1,610,480 alleles (0.00037%); highest among the groups gnomAD compares: Non-Finnish European, 0.00051%; no homozygotes.

Submission:

Labcorp Genetics (formerly Invitae), Labcorp
Classification: Uncertain significance for Primary ciliary dyskinesia. Last evaluated: 2024-08-13. Review status: criteria provided, single submitter. Criteria: Invitae Variant Classification Sherloc (09022015). Collection method: clinical testing. Allele origin: germline.
Comment: This sequence change falls in intron 37 of the DNAH11 gene. It does not directly change the encoded amino acid sequence of the DNAH11 protein. It affects a nucleotide within the consensus splice site. This variant is present in population databases (rs768625161, gnomAD 0.0009%). This variant has not been reported in the literature in individuals affected with DNAH11-related conditions. Variants that disrupt the consensus splice site are a relatively common cause of aberrant splicing (PMID: 17576681, 9536098). Algorithms developed to predict the effect of sequence changes on RNA splicing suggest that this variant is not likely to affect RNA splicing. In summary, the available evidence is currently insufficient to determine the role of this variant in disease. Therefore, it has been classified as a Variant of Uncertain Significance.

Literature cited by the submitters: PubMed 17576681; PubMed 9536098.